The following is an entry in ClinVar:

ClinVar aggregate classification (germline): Uncertain significance (1 of 4 stars; one submission).

Submission:

Labcorp Genetics (formerly Invitae), Labcorp
Classification: Uncertain significance. Last evaluated: 2025-11-24. Review status: criteria provided, single submitter. Criteria: Invitae Variant Classification Sherloc (09022015). Collection method: clinical testing. Allele origin: germline.
Comment: This sequence change replaces alanine, which is neutral and non-polar, with threonine, which is neutral and polar, at codon 367 of the COL4A3 protein (p.Ala367Thr). This variant is not present in population databases (gnomAD no frequency). This variant has not been reported in the literature in individuals affected with COL4A3-related conditions. Invitae Evidence Modeling of protein sequence and biophysical properties (such as structural, functional, and spatial information, amino acid conservation, physicochemical variation, residue mobility, and thermodynamic stability) indicates that this missense variant is not expected to disrupt COL4A3 protein function with a negative predictive value of 95%. In summary, the available evidence is currently insufficient to determine the role of this variant in disease. Therefore, it has been classified as a Variant of Uncertain Significance.

NM_000091.5(COL4A3):c.1099G>A (p.Ala367Thr)

Genes: COL4A3 (collagen type IV alpha 3 chain; plus strand), MFF-DT (MFF divergent transcript; minus strand). Cytogenetic location: 2q36.3.
Variant type: single nucleotide variant.
Coding change: c.1099G>A on transcript NM_000091.5 (MANE Select); coding-DNA position 1099, G replaced by A.
Protein change: p.Ala367Thr; replaces alanine 367 with threonine.
Molecular consequence: missense variant.
Genome position (GRCh38, 1-based): chr2:227,259,862, G>A. VCF-style: chr2-227259862-G-A. GRCh37 (hg19) VCF-style: chr2-228124578-G-A.
Other names: short protein forms A367T.
Identifiers: ClinVar variation 4800364 (VCV004800364.1).